The following is an entry in ClinVar:

ClinVar aggregate classification (germline): Uncertain significance. Review status: criteria provided, multiple submitters, no conflicts (2 of 4 stars). 2 submissions from 2 submitters: Uncertain significance (2). Last evaluated 2025-06-27.

Conditions:
Hereditary cancer-predisposing syndrome. Also called: Tumor predisposition; Hereditary neoplastic syndrome; Neoplastic Syndromes, Hereditary; Hereditary Cancer Syndrome. Identifiers: Orphanet 140162, MedGen C0027672, MeSH D009386, MONDO:0015356.
Familial adenomatous polyposis 1 (FAP1). Also called: FAMILIAL ADENOMATOUS POLYPOSIS 1, ATTENUATED; POLYPOSIS, ADENOMATOUS INTESTINAL. Identifiers: MedGen C2713442, MONDO:0021056, OMIM 175100. Disease mechanism: loss of function.

Submissions (2):

Ambry Genetics
Classification: Uncertain significance for Hereditary cancer-predisposing syndrome. Last evaluated: 2025-06-27. Review status: criteria provided, single submitter. Criteria: Ambry Variant Classification Scheme 2023. Collection method: clinical testing. Allele origin: germline.
Comment: The p.N436K variant (also known as c.1308T>G), located in coding exon 9 of the APC gene, results from a T to G substitution at nucleotide position 1308. The asparagine at codon 436 is replaced by lysine, an amino acid with similar properties. This amino acid position is highly conserved in available vertebrate species. In addition, in silico predictors for this gene do not accurately predict pathogenicity. Missense alterations in APC are not a common cause of disease (Spier I et al. Genet Med. 2024 Feb;26(2):100992). Based on the available evidence, the clinical significance of this variant remains unclear.

Labcorp Genetics (formerly Invitae), Labcorp
Classification: Uncertain significance for Familial adenomatous polyposis 1. Last evaluated: 2021-03-13. Review status: criteria provided, single submitter. Criteria: Invitae Variant Classification Sherloc (09022015). Collection method: clinical testing. Allele origin: germline.
Comment: In summary, the available evidence is currently insufficient to determine the role of this variant in disease. Therefore, it has been classified as a Variant of Uncertain Significance. Algorithms developed to predict the effect of missense changes on protein structure and function are either unavailable or do not agree on the potential impact of this missense change (SIFT: "Deleterious"; PolyPhen-2: "Benign"; Align-GVGD: "Class C0"). This variant has not been reported in the literature in individuals with APC-related conditions. This variant is not present in population databases (ExAC no frequency). This sequence change replaces asparagine with lysine at codon 436 of the APC protein (p.Asn436Lys). The asparagine residue is highly conserved and there is a moderate physicochemical difference between asparagine and lysine.

NM_000038.6(APC):c.1308T>G (p.Asn436Lys)

Gene: APC (APC regulator of Wnt signaling pathway; plus strand). Cytogenetic location: 5q22.2.
Variant type: single nucleotide variant.
Coding change: c.1308T>G on transcript NM_000038.6 (MANE Select); coding-DNA position 1308, T replaced by G.
Protein change: p.Asn436Lys; replaces asparagine 436 with lysine.
Molecular consequence: missense variant.
Genome position (GRCh38, 1-based): chr5:112,819,340, T>G. VCF-style: chr5-112819340-T-G. GRCh37 (hg19) VCF-style: chr5-112155037-T-G.
Other names: c.1308T>G, p.Asn436Lys (NM_001127510.3, NM_001354895.2, NM_001354896.2); c.1254T>G, p.Asn418Lys (NM_001127511.3); c.1338T>G, p.Asn446Lys (NM_001354897.2); c.1233T>G, p.Asn411Lys (NM_001354898.2); c.1224T>G, p.Asn408Lys (NM_001354899.2); c.1131T>G, p.Asn377Lys (NM_001354900.2, NM_001354901.2); c.1035T>G, p.Asn345Lys (NM_001354902.2); c.1005T>G, p.Asn335Lys (NM_001354903.2); and 3 more; short protein forms N345K, N408K, N436K, N446K, N276K, N335K, N411K, N418K.
Identifiers: ClinVar variation 818875 (VCV000818875.15), dbSNP rs1580531932, ClinGen allele CA16024171.